The following is an entry in ClinVar:

NM_001267550.2(TTN):c.2596C>A (p.Pro866Thr)

Gene: TTN (titin; minus strand). Cytogenetic location: 2q31.2.
Variant type: single nucleotide variant.
Coding change: c.2596C>A on transcript NM_001267550.2 (MANE Select); coding-DNA position 2596, C replaced by A.
Protein change: p.Pro866Thr; replaces proline 866 with threonine.
Molecular consequence: missense variant.
Genome position (GRCh38, 1-based): chr2:178,784,249, G>T on the plus strand (C>A on the coding strand, the complement: TTN is on the minus strand). VCF-style: chr2-178784249-G-T. GRCh37 (hg19) VCF-style: chr2-179648976-G-T.
Other names: c.2596C>A, p.Pro866Thr (NM_001256850.1, NM_133378.4, NM_133379.5); c.2458C>A, p.Pro820Thr (NM_003319.4, NM_133432.3, NM_133437.4); short protein forms P866T, P820T.
Identifiers: ClinVar variation 513231 (VCV000513231.1), dbSNP rs1320484376, ClinGen allele CA349496455.

ClinVar aggregate classification (germline): Likely benign (1 of 4 stars; one submission).

Allele frequency attached by ClinVar (database versions not stated): gnomAD 0.00001.
gnomAD v4.1: 1 of 1,614,014 alleles (0.000062%); highest among the groups gnomAD compares: African/African-American, 0.0013%; no homozygotes.

Submission:

GeneDx
Classification: Likely benign. Last evaluated: 2017-11-02. Review status: criteria provided, single submitter. Criteria: GeneDx Variant Classification (06012015). Collection method: clinical testing. Allele origin: germline. Affected: yes.
Comment: This variant is considered likely benign or benign based on one or more of the following criteria: it is a conservative change, it occurs at a poorly conserved position in the protein, it is predicted to be benign by multiple in silico algorithms, and/or has population frequency not consistent with disease.